The following is an entry in ClinVar:

ClinVar aggregate classification (germline): Likely benign (1 of 4 stars; one submission).

Submission:

CeGaT Center for Human Genetics Tuebingen
Classification: Likely benign. Last evaluated: 2026-08-01. Review status: criteria provided, single submitter. Criteria: CeGaT Center For Human Genetics Tuebingen Variant Classification Criteria Version 2. Collection method: clinical testing. Allele origin: germline. Affected: yes. Observed: 2 variant alleles.
Comment: TTN: PM2:Supporting, BP4, BP7

NM_001267550.2(TTN):c.25317G>C (p.Gly8439=)

Gene: TTN (titin; minus strand). Cytogenetic location: 2q31.2.
Variant type: single nucleotide variant.
Coding change: c.25317G>C on transcript NM_001267550.2 (MANE Select); coding-DNA position 25317, G replaced by C.
Protein change: p.Gly8439=; no amino-acid change (glycine 8439 retained).
Molecular consequence: synonymous variant. On other transcripts: intron variant (3).
Genome position (GRCh38, 1-based): chr2:178,717,557, C>G on the plus strand (G>C on the coding strand, the complement: TTN is on the minus strand). VCF-style: chr2-178717557-C-G. GRCh37 (hg19) VCF-style: chr2-179582284-C-G.
Other names: c.24366G>C, p.Gly8122= (NM_001256850.1); c.21585G>C, p.Gly7195= (NM_133378.4); c.13282+20525G>C (NM_003319.4); c.13858+20525G>C (NM_133437.4); c.13657+20525G>C (NM_133432.3).
Identifiers: ClinVar variation 2578886 (VCV002578886.25), dbSNP rs2154299072, ClinGen allele CA430285958.